The following is an entry in ClinVar:

ClinVar aggregate classification (germline): Uncertain significance (1 of 4 stars; one submission).

Submission:

GeneDx
Classification: Uncertain significance. Last evaluated: 2026-03-30. Review status: criteria provided, single submitter. Criteria: GeneDx Variant Classification Process June 2021. Collection method: clinical testing. Allele origin: germline.
Comment: Not observed at significant frequency in large population cohorts (gnomAD); In silico analysis suggests that this missense variant does not alter protein structure/function; Has not been previously published as pathogenic or benign to our knowledge

NM_014727.3(KMT2B):c.2479G>A (p.Glu827Lys)

Gene: KMT2B (lysine methyltransferase 2B; plus strand). Cytogenetic location: 19q13.12.
Variant type: single nucleotide variant.
Coding change: c.2479G>A on transcript NM_014727.3 (MANE Select); coding-DNA position 2479, G replaced by A.
Protein change: p.Glu827Lys; replaces glutamic acid 827 with lysine.
Molecular consequence: missense variant.
Genome position (GRCh38, 1-based): chr19:35,722,380, G>A. VCF-style: chr19-35722380-G-A. GRCh37 (hg19) VCF-style: chr19-36213282-G-A.
Other names: short protein forms E827K.
Identifiers: ClinVar variation 5017922 (VCV005017922.1).
Genomic context (GRCh38, chr19:35,722,380, plus strand): 5'-CTCACTGTCCAGCCCCTGACCCTGTTTATTCCCTGCCAGCTGAGCCCTGGAGGGCAGATG[G>A]AGGAGGTGGCCGGGGCTGTCAAGCAGATCTCCGACAGAGGCCCTGTCCGGTCTGAAGATG-3'
Protein context (NP_055542.1, residues 817-837): SMPLSPGGQM[Glu827Lys]EVAGAVKQIS